The following is an entry in ClinVar:

ClinVar aggregate classification (germline): Uncertain significance (1 of 4 stars; one submission).

Allele frequency attached by ClinVar (database versions not stated): gnomAD 0.00003; TOPMed 0.00004; 1000 Genomes Project 30x 0.00016; 1000 Genomes Project 0.00020.
gnomAD v4.1: 53 of 1,608,348 alleles (0.0033%); highest among the groups gnomAD compares: East Asian, 0.076%; no homozygotes.

Submission:

Labcorp Genetics (formerly Invitae), Labcorp
Classification: Uncertain significance. Last evaluated: 2025-01-06. Review status: criteria provided, single submitter. Criteria: Invitae Variant Classification Sherloc (09022015). Collection method: clinical testing. Allele origin: germline.
Comment: This sequence change replaces arginine, which is basic and polar, with histidine, which is basic and polar, at codon 136 of the EIF2AK1 protein (p.Arg136His). The frequency data for this variant in the population databases is considered unreliable, as metrics indicate poor data quality at this position in the gnomAD database. This variant has not been reported in the literature in individuals affected with EIF2AK1-related conditions. ClinVar contains an entry for this variant (Variation ID: 2902519). An algorithm developed to predict the effect of missense changes on protein structure and function (PolyPhen-2) suggests that this variant is likely to be tolerated. In summary, the available evidence is currently insufficient to determine the role of this variant in disease. Therefore, it has been classified as a Variant of Uncertain Significance.

NM_014413.4(EIF2AK1):c.407G>A (p.Arg136His)

Gene: EIF2AK1 (eukaryotic translation initiation factor 2 alpha kinase 1; minus strand). Cytogenetic location: 7p22.1.
Variant type: single nucleotide variant.
Coding change: c.407G>A on transcript NM_014413.4 (MANE Select); coding-DNA position 407, G replaced by A.
Protein change: p.Arg136His; replaces arginine 136 with histidine.
Molecular consequence: missense variant.
Genome position (GRCh38, 1-based): chr7:6,049,916, C>T on the plus strand (G>A on the coding strand, the complement: EIF2AK1 is on the minus strand). VCF-style: chr7-6049916-C-T. GRCh37 (hg19) VCF-style: chr7-6089547-C-T.
Other names: c.407G>A, p.Arg136His (NM_001134335.2); short protein forms R136H.
Identifiers: ClinVar variation 2902519 (VCV002902519.3), dbSNP rs200737688, ClinGen allele CA4151241.